The following is an entry in ClinVar:

ClinVar aggregate classification (germline): Uncertain significance. Review status: criteria provided, multiple submitters, no conflicts (2 of 4 stars). 3 submissions from 3 submitters: Uncertain significance (3). Last evaluated 2025-08-14.

Conditions:
Inborn genetic diseases. Identifiers: MedGen C0950123, MeSH D030342.

Submissions (3):

Ambry Genetics
Classification: Uncertain significance for Inborn genetic diseases. Last evaluated: 2025-08-14. Review status: criteria provided, single submitter. Criteria: Ambry Variant Classification Scheme 2023. Collection method: clinical testing. Allele origin: germline.

Dasa
Classification: Uncertain significance. Last evaluated: 2025-06-11. Review status: criteria provided, single submitter. Criteria: DASA Assertion Criteria. Collection method: clinical testing. Allele origin: germline.
Comment: NM_001018115.3(FANCD2):c.1436C>T (p.Thr479Ile) is a missense variant that results in the substitution of threonine with isoleucine. This variant is rare in population databases. Computational prediction algorithms are consistent with a benign effect. The currently available literature and clinical evidence are not sufficient to establish a definitive association between this variant and the reported condition. Therefore, this variant is classified as a variant of uncertain significance.

Institute for Clinical Genetics, University Hospital TU Dresden, University Hospital TU Dresden
Classification: Uncertain significance. Last evaluated: 2021-11-03. Review status: criteria provided, single submitter. Criteria: ACMG Guidelines, 2015. Collection method: clinical testing. Allele origin: germline.

NM_001018115.3(FANCD2):c.1436C>T (p.Thr479Ile)

Genes: FANCD2 (FA complementation group D2; plus strand), LOC107303338 (3p25 FANCD2 Alu-mediated recombination region; plus strand). Cytogenetic location: 3p25.3.
Variant type: single nucleotide variant.
Coding change: c.1436C>T on transcript NM_001018115.3 (MANE Select); coding-DNA position 1436, C replaced by T.
Protein change: p.Thr479Ile; replaces threonine 479 with isoleucine.
Molecular consequence: missense variant.
Genome position (GRCh38, 1-based): chr3:10,049,396, C>T. VCF-style: chr3-10049396-C-T. GRCh37 (hg19) VCF-style: chr3-10091080-C-T.
Other names: c.1436C>T, p.Thr479Ile (NM_001319984.2, NM_001374253.1, NM_001374254.1 and 1 more transcripts); short protein forms T479I.
Identifiers: ClinVar variation 1319408 (VCV001319408.6), dbSNP rs1346254097, ClinGen allele CA351737381.